The following is an entry in ClinVar:

NM_001039660.2(IL18BP):c.205G>T (p.Val69Leu)

Gene: IL18BP (interleukin 18 binding protein; plus strand). Cytogenetic location: 11q13.4.
Variant type: single nucleotide variant.
Coding change: c.205G>T on transcript NM_001039660.2 (MANE Select); coding-DNA position 205, G replaced by T.
Protein change: p.Val69Leu; replaces valine 69 with leucine.
Molecular consequence: missense variant.
Genome position (GRCh38, 1-based): chr11:72,000,527, G>T. VCF-style: chr11-72000527-G-T. GRCh37 (hg19) VCF-style: chr11-71711573-G-T.
Other names: c.205G>T, p.Val69Leu (NM_001039659.2, NM_001145055.1, NM_001145057.1 and 3 more transcripts); short protein forms V69L.
Identifiers: ClinVar variation 2077056 (VCV002077056.4), dbSNP rs1280364218, ClinGen allele CA381720733.

ClinVar aggregate classification (germline): Uncertain significance (1 of 4 stars; one submission).

Allele frequency attached by ClinVar (database versions not stated): gnomAD exomes 0.00001; TOPMed 0.00001.
gnomAD v4.1: 4 of 1,612,972 alleles (0.00025%); highest among the groups gnomAD compares: Admixed American, 0.005%; no homozygotes.

Submission:

Labcorp Genetics (formerly Invitae), Labcorp
Classification: Uncertain significance. Last evaluated: 2023-01-25. Review status: criteria provided, single submitter. Criteria: Invitae Variant Classification Sherloc (09022015). Collection method: clinical testing. Allele origin: germline.
Comment: In summary, the available evidence is currently insufficient to determine the role of this variant in disease. Therefore, it has been classified as a Variant of Uncertain Significance. Algorithms developed to predict the effect of missense changes on protein structure and function are either unavailable or do not agree on the potential impact of this missense change (SIFT: "Deleterious"; PolyPhen-2: "Possibly Damaging"; Align-GVGD: "Class C0"). This variant has not been reported in the literature in individuals affected with IL18BP-related conditions. This variant is present in population databases (no rsID available, gnomAD 0.006%). This sequence change replaces valine, which is neutral and non-polar, with leucine, which is neutral and non-polar, at codon 69 of the IL18BP protein (p.Val69Leu).